The following is an entry in ClinVar:

NM_206933.4(USH2A):c.10985C>T (p.Thr3662Ile)

Gene: USH2A (usherin; minus strand). Cytogenetic location: 1q41.
Variant type: single nucleotide variant.
Coding change: c.10985C>T on transcript NM_206933.4 (MANE Select); coding-DNA position 10985, C replaced by T.
Protein change: p.Thr3662Ile; replaces threonine 3662 with isoleucine.
Molecular consequence: missense variant.
Genome position (GRCh38, 1-based): chr1:215,766,743, G>A on the plus strand (C>T on the coding strand, the complement: USH2A is on the minus strand). VCF-style: chr1-215766743-G-A. GRCh37 (hg19) VCF-style: chr1-215940085-G-A.
Other names: short protein forms T3662I.
Identifiers: ClinVar variation 3768414 (VCV003768414.1).

ClinVar aggregate classification (germline): Uncertain significance (1 of 4 stars; one submission).

gnomAD v4.1: 3 of 1,613,528 alleles (0.00019%); highest among the groups gnomAD compares: Admixed American, 0.0017%; no homozygotes.

Submission:

Women's Health and Genetics/Laboratory Corporation of America, LabCorp
Classification: Uncertain significance. Last evaluated: 2024-12-26. Review status: criteria provided, single submitter. Criteria: LabCorp Variant Classification Summary - May 2015. Collection method: clinical testing. Allele origin: germline.
Comment: Variant summary: USH2A c.10985C>T (p.Thr3662Ile) results in a non-conservative amino acid change located in the Fibronectin type-III domain profile (IPR003961) of the encoded protein sequence. Five of five in-silico tools predict a damaging effect of the variant on protein function. The variant was absent in 251426 control chromosomes. The available data on variant occurrences in the general population are insufficient to allow any conclusion about variant significance. To our knowledge, no occurrence of c.10985C>T in individuals affected with Usher Syndrome and no experimental evidence demonstrating its impact on protein function have been reported. No submitters have cited clinical-significance assessments for this variant to ClinVar. Based on the evidence outlined above, the variant was classified as uncertain significance.